The following is an entry in ClinVar:

NM_004380.3(CREBBP):c.2974G>A (p.Val992Ile)

Gene: CREBBP (CREB binding lysine acetyltransferase; minus strand). Cytogenetic location: 16p13.3.
Variant type: single nucleotide variant.
Coding change: c.2974G>A on transcript NM_004380.3 (MANE Select); coding-DNA position 2974, G replaced by A.
Protein change: p.Val992Ile; replaces valine 992 with isoleucine.
Molecular consequence: missense variant.
Genome position (GRCh38, 1-based): chr16:3,769,260, C>T on the plus strand (G>A on the coding strand, the complement: CREBBP is on the minus strand). VCF-style: chr16-3769260-C-T. GRCh37 (hg19) VCF-style: chr16-3819261-C-T.
Other names: c.2860G>A, p.Val954Ile (NM_001079846.1); short protein forms V992I, V954I.
Identifiers: ClinVar variation 95040 (VCV000095040.26), dbSNP rs61731383, ClinGen allele CA148117.

ClinVar aggregate classification (germline): Benign. Review status: criteria provided, multiple submitters, no conflicts (2 of 4 stars). 8 submissions from 8 submitters: Benign (7). 1 of the submissions does not count toward it. Last evaluated 2026-02-03.

Conditions:
Inborn genetic diseases. Identifiers: MedGen C0950123, MeSH D030342.
Rubinstein-Taybi syndrome (RSTS). Identifiers: Orphanet 783, MedGen C0035934, MONDO:0019188.

Allele frequency attached by ClinVar (database versions not stated): gnomAD exomes 0.00346 and 0.00125; gnomAD 0.01339 and 0.01447; 1000 Genomes Project 30x 0.01608; ExAC 0.00446; 1000 Genomes Project 0.01438; TOPMed 0.01552; ESP Exome Variant Server 0.01547.
gnomAD v4.1: 3,916 of 1,614,152 alleles (0.24%); highest among the groups gnomAD compares: African/African-American, 4.6%; 77 homozygotes.

Submissions (8):

Labcorp Genetics (formerly Invitae), Labcorp
Classification: Benign for Rubinstein-Taybi syndrome. Last evaluated: 2026-02-03. Review status: criteria provided, single submitter. Criteria: Invitae Variant Classification Sherloc (09022015). Collection method: clinical testing. Allele origin: germline.

GeneDx
Classification: Benign. Last evaluated: 2018-11-20. Review status: criteria provided, single submitter. Criteria: GeneDx Variant Classification Process June 2021. Collection method: clinical testing. Allele origin: germline. Affected: yes.

Ambry Genetics
Classification: Benign for Inborn genetic diseases. Last evaluated: 2016-04-18. Review status: criteria provided, single submitter. Criteria: Ambry Variant Classification Scheme 2023. Collection method: clinical testing. Allele origin: germline.

Eurofins Ntd Llc (ga)
Classification: Benign. Last evaluated: 2013-03-18. Review status: criteria provided, single submitter. Criteria: EGL Classification Definitions 2015. Collection method: clinical testing. Allele origin: germline. Observed: 1 variant allele, 1 heterozygote.

Genetic Services Laboratory, University of Chicago
Classification: Benign. Last evaluated: 2013-02-08. Review status: criteria provided, single submitter. Criteria: ACMG Guidelines, 2007. Collection method: clinical testing. Allele origin: germline. Inheritance: Autosomal dominant inheritance.

Breakthrough Genomics
Classification: Benign. Review status: criteria provided, single submitter. Criteria: ACMG Guidelines, 2015. Collection method: not provided. Allele origin: germline. Inheritance: Autosomal dominant inheritance. Affected: yes.

PreventionGenetics, part of Exact Sciences
Classification: Benign. Review status: criteria provided, single submitter. Criteria: ACMG Guidelines, 2015. Collection method: clinical testing. Allele origin: germline.

ITMI
No classification provided. Condition: AllHighlyPenetrant. Last evaluated: 2013-09-19. Review status: no classification provided. Collection method: reference population. Allele origin: germline. Not counted in ClinVar's aggregate classification.
Comment: Please see associated publication for description of ethnicities

Literature cited by the submitters: PubMed 24728327 (cited by ITMI).